The following is an entry in ClinVar:

NM_016030.6(TRAPPC12):c.641C>T (p.Ala214Val)

Gene: TRAPPC12 (trafficking protein particle complex subunit 12; plus strand). Cytogenetic location: 2p25.3.
Variant type: single nucleotide variant.
Coding change: c.641C>T on transcript NM_016030.6 (MANE Select); coding-DNA position 641, C replaced by T.
Protein change: p.Ala214Val; replaces alanine 214 with valine.
Molecular consequence: missense variant.
Genome position (GRCh38, 1-based): chr2:3,388,264, C>T. VCF-style: chr2-3388264-C-T. GRCh37 (hg19) VCF-style: chr2-3392035-C-T.
Other names: c.641C>T, p.Ala214Val (NM_001321102.2); short protein forms A214V.
Identifiers: ClinVar variation 1033387 (VCV001033387.1), dbSNP rs1318353446, ClinGen allele CA345740371.

ClinVar aggregate classification (germline): Uncertain significance (1 of 4 stars; one submission).

Conditions:
Early-onset progressive encephalopathy-hearing loss-pons hypoplasia-brain atrophy syndrome. Also called: ENCEPHALOPATHY, PROGRESSIVE, EARLY-ONSET, WITH BRAIN ATROPHY AND SPASTICITY. Identifiers: Orphanet 500144, MedGen C5567229, MONDO:0044696, OMIM 617669.

Allele frequency attached by ClinVar (database versions not stated): TOPMed 0.00001.
gnomAD v4.1: 2 of 1,608,556 alleles (0.00012%); highest among the groups gnomAD compares: East Asian, 0.0023%; no homozygotes.

Submission:

Baylor Genetics
Classification: Uncertain significance for Early-onset progressive encephalopathy-hearing loss-pons hypoplasia-brain atrophy syndrome. Last evaluated: 2018-03-12. Review status: criteria provided, single submitter. Criteria: ACMG Guidelines, 2015. Collection method: clinical testing. Allele origin: unknown. Affected: yes.
Comment: This variant was determined to be of uncertain significance according to ACMG Guidelines, 2015 [PMID:25741868].